The following is an entry in ClinVar:

ClinVar aggregate classification (germline): Pathogenic/Likely pathogenic. Review status: criteria provided, multiple submitters, no conflicts (2 of 4 stars). 5 submissions from 5 submitters: Pathogenic (2); Likely pathogenic (3). Last evaluated 2025-03-26.

Conditions:
ACVRL1-related disorder. Also called: ACVRL1-related disorders; ACVRL1-related condition.
Telangiectasia, hereditary hemorrhagic, type 2 (HHT2). Also called: ACVRL1-Related Hereditary Hemorrhagic Telangiectasia; Telangiectasia, hereditary hemorrhagic, type II. Identifiers: Orphanet 774, MedGen C1838163, MONDO:0010880, OMIM 600376. Disease mechanism: loss of function.
Cardiovascular phenotype. Identifiers: MedGen CN230736.

Submissions (5):

Labcorp Genetics (formerly Invitae), Labcorp
Classification: Likely pathogenic for Telangiectasia, hereditary hemorrhagic, type 2. Last evaluated: 2025-03-26. Review status: criteria provided, single submitter. Criteria: Invitae Variant Classification Sherloc (09022015). Collection method: clinical testing. Allele origin: germline.
Comment: This sequence change replaces glutamic acid, which is acidic and polar, with lysine, which is basic and polar, at codon 407 of the ACVRL1 protein (p.Glu407Lys). This variant is not present in population databases (gnomAD no frequency). This missense change has been observed in individual(s) with hereditary hemorrhagic telangiectasia (internal data). ClinVar contains an entry for this variant (Variation ID: 381910). Invitae Evidence Modeling of protein sequence and biophysical properties (such as structural, functional, and spatial information, amino acid conservation, physicochemical variation, residue mobility, and thermodynamic stability) indicates that this missense variant is expected to disrupt ACVRL1 protein function with a positive predictive value of 95%. This variant disrupts the p.Glu407 amino acid residue in ACVRL1. Other variant(s) that disrupt this residue have been determined to be pathogenic (PMID: 10767348, 15712270, 18498373, 23722869). This suggests that this residue is clinically significant, and that variants that disrupt this residue are likely to be disease-causing. In summary, the currently available evidence indicates that the variant is pathogenic, but additional data are needed to prove that conclusively. Therefore, this variant has been classified as Likely Pathogenic.

Blueprint Genetics
Classification: Likely pathogenic for ACVRL1-related disorders. Last evaluated: 2023-06-06. Review status: criteria provided, single submitter. Criteria: ACMG Guidelines, 2015. Collection method: clinical testing. Allele origin: germline. Affected: yes. Observed: 1 variant allele.

Ambry Genetics
Classification: Pathogenic for Cardiovascular phenotype. Last evaluated: 2021-07-26. Review status: criteria provided, single submitter. Criteria: Ambry Variant Classification Scheme 2023. Collection method: clinical testing. Allele origin: germline.
Comment: The p.E407K pathogenic mutation (also known as c.1219G>A) is located in coding exon 7 of the ACVRL1 gene. This alteration results from a G to A substitution at nucleotide position 1219. The glutamic acid at codon 407 is replaced by lysine, an amino acid with similar properties. This alteration has been identified in several individuals from two families with a clinical diagnosis of or features consistent with hereditary hemorrhagic telangectasia (HHT) (Ambry internal data). In addition, other mutations affecting this codon (p.E407D and p.E407G) have been reported in association with HHT and have been reported to segregate with disease in families (Abdalla et al. Hum Mol Genet. 2000;9(8):1227-37, Canzonieri et al. Genet Med. 2014;16(1):3-10; Bayrak-Toydemir et al. Exp Mol Pathol. 2008; 85(1):45-9). Based on the supporting evidence, this alteration is interpreted as a disease-causing mutation.

GeneDx
Classification: Likely pathogenic. Last evaluated: 2020-02-28. Review status: criteria provided, single submitter. Criteria: GeneDx Variant Classification Process June 2021. Collection method: clinical testing. Allele origin: germline. Affected: yes.
Comment: Has not been previously published as pathogenic or benign to our knowledge; Not observed in large population cohorts (Lek et al., 2016); In silico analysis supports that this missense variant has a deleterious effect on protein structure/function

ARUP Laboratories, Molecular Genetics and Genomics, ARUP Laboratories
Classification: Pathogenic. Last evaluated: 2017-05-18. Review status: criteria provided, single submitter. Criteria: ARUP Molecular Germline Variant Investigation Process. Collection method: clinical testing. Allele origin: germline.

Literature cited by the submitters: PubMed 10767348 (cited by Labcorp Genetics (formerly Invitae), Labcorp); PubMed 15712270 (cited by Labcorp Genetics (formerly Invitae), Labcorp); PubMed 18498373 (cited by Labcorp Genetics (formerly Invitae), Labcorp); PubMed 23722869 (cited by Labcorp Genetics (formerly Invitae), Labcorp).

NM_000020.3(ACVRL1):c.1219G>A (p.Glu407Lys)

Gene: ACVRL1 (activin A receptor like type 1; plus strand). Cytogenetic location: 12q13.13.
Variant type: single nucleotide variant.
Coding change: c.1219G>A on transcript NM_000020.3 (MANE Select); coding-DNA position 1219, G replaced by A.
Protein change: p.Glu407Lys; replaces glutamic acid 407 with lysine.
Molecular consequence: missense variant.
Genome position (GRCh38, 1-based): chr12:51,916,206, G>A. VCF-style: chr12-51916206-G-A. GRCh37 (hg19) VCF-style: chr12-52309990-G-A.
Other names: c.1219G>A, p.Glu407Lys (NM_001077401.2); short protein forms E407K.
Identifiers: ClinVar variation 381910 (VCV000381910.17), dbSNP rs1057521203, ClinGen allele CA16607366.